The following is an entry in ClinVar:

NM_014391.3(ANKRD1):c.191A>C (p.Lys64Thr)

Gene: ANKRD1 (ankyrin repeat domain 1; minus strand). Cytogenetic location: 10q23.31.
Variant type: single nucleotide variant.
Coding change: c.191A>C on transcript NM_014391.3 (MANE Select); coding-DNA position 191, A replaced by C.
Protein change: p.Lys64Thr; replaces lysine 64 with threonine.
Molecular consequence: missense variant.
Genome position (GRCh38, 1-based): chr10:90,920,185, T>G on the plus strand (A>C on the coding strand, the complement: ANKRD1 is on the minus strand). VCF-style: chr10-90920185-T-G. GRCh37 (hg19) VCF-style: chr10-92679942-T-G.
Other names: short protein forms K64T.
Identifiers: ClinVar variation 1364089 (VCV001364089.8), dbSNP rs2120273578, ClinGen allele CA377553306.
Genomic context (GRCh38, chr10:90,920,185, plus strand): 5'-CCAGCCCCAACATCCTACTAGTGGATTCCACAGATGGCTCTCACCTCTGCCTCTCGTTGT[T>G]TCTCGCTTTTCCACTGTTGCTCCCCCAGGGTCACAGGGTGGGCTAGAAGTGTCTTCAGAT-3'
Protein context (NP_055206.2, residues 54-74): TLGEQQWKSE[Lys64Thr]QREAELKKKK

ClinVar aggregate classification (germline): Uncertain significance (1 of 4 stars; one submission).

Conditions:
ANKRD1-related dilated cardiomyopathy. Identifiers: MedGen CN119551.

Submission:

Labcorp Genetics (formerly Invitae), Labcorp
Classification: Uncertain significance for ANKRD1-related dilated cardiomyopathy. Last evaluated: 2021-07-06. Review status: criteria provided, single submitter. Criteria: Invitae Variant Classification Sherloc (09022015). Collection method: clinical testing. Allele origin: germline.
Comment: In summary, the available evidence is currently insufficient to determine the role of this variant in disease. Therefore, it has been classified as a Variant of Uncertain Significance. Algorithms developed to predict the effect of missense changes on protein structure and function are either unavailable or do not agree on the potential impact of this missense change (SIFT: "Deleterious"; PolyPhen-2: "Probably Damaging"; Align-GVGD: "Class C0"). This variant has not been reported in the literature in individuals affected with ANKRD1-related conditions. This variant is not present in population databases (ExAC no frequency). This sequence change replaces lysine with threonine at codon 64 of the ANKRD1 protein (p.Lys64Thr). The lysine residue is moderately conserved and there is a moderate physicochemical difference between lysine and threonine.